The following is an entry in ClinVar:

ClinVar aggregate classification (germline): Uncertain significance (1 of 4 stars; one submission).

Conditions:
Charcot-Marie-Tooth disease type 2. Also called: Charcot-Marie-Tooth type 2. Identifiers: Orphanet 64746, MedGen C0270914, MONDO:0018993.

gnomAD v4.1: 3 of 1,614,032 alleles (0.00019%); highest among the groups gnomAD compares: African/African-American, 0.004%; no homozygotes.

Submission:

Labcorp Genetics (formerly Invitae), Labcorp
Classification: Uncertain significance for Charcot-Marie-Tooth disease type 2. Last evaluated: 2025-09-29. Review status: criteria provided, single submitter. Criteria: Invitae Variant Classification Sherloc (09022015). Collection method: clinical testing. Allele origin: germline.
Comment: This sequence change replaces glycine, which is neutral and non-polar, with cysteine, which is neutral and slightly polar, at codon 313 of the AARS protein (p.Gly313Cys). This variant is not present in population databases (gnomAD no frequency). This variant has not been reported in the literature in individuals affected with AARS-related conditions. ClinVar contains an entry for this variant (Variation ID: 1985538). Invitae Evidence Modeling of protein sequence and biophysical properties (such as structural, functional, and spatial information, amino acid conservation, physicochemical variation, residue mobility, and thermodynamic stability) indicates that this missense variant is not expected to disrupt AARS protein function with a negative predictive value of 80%. In summary, the available evidence is currently insufficient to determine the role of this variant in disease. Therefore, it has been classified as a Variant of Uncertain Significance.

NM_001605.3(AARS1):c.937G>T (p.Gly313Cys)

Gene: AARS1 (alanyl-tRNA synthetase 1; minus strand). Cytogenetic location: 16q22.1.
Variant type: single nucleotide variant.
Coding change: c.937G>T on transcript NM_001605.3 (MANE Select); coding-DNA position 937, G replaced by T.
Protein change: p.Gly313Cys; replaces glycine 313 with cysteine.
Molecular consequence: missense variant.
Genome position (GRCh38, 1-based): chr16:70,269,643, C>A on the plus strand (G>T on the coding strand, the complement: AARS1 is on the minus strand). VCF-style: chr16-70269643-C-A. GRCh37 (hg19) VCF-style: chr16-70303546-C-A.
Other names: short protein forms G313C.
Identifiers: ClinVar variation 1985538 (VCV001985538.4), dbSNP rs141331431, ClinGen allele CA283439967.